The following is an entry in ClinVar:

ClinVar aggregate classification (germline): Conflicting classifications of pathogenicity. Review status: criteria provided, conflicting classifications (1 of 4 stars). 6 submissions from 6 submitters: Uncertain significance (4); Likely benign (1). 1 of the submissions does not count toward it. Last evaluated 2025-12-10.

Conditions:
Ataxia-telangiectasia-like disorder (ATLD). Identifiers: MedGen C1858391, MONDO:0011457.
Hereditary cancer-predisposing syndrome. Also called: Neoplastic Syndromes, Hereditary; Tumor predisposition; Hereditary Cancer Syndrome; Hereditary neoplastic syndrome. Identifiers: Orphanet 140162, MedGen C0027672, MeSH D009386, MONDO:0015356.
Ataxia-telangiectasia-like disorder 1 (ATLD1). Identifiers: Orphanet 251347, MedGen C4012790, MONDO:0024557, OMIM 604391.

Allele frequency attached by ClinVar (database versions not stated): ExAC 0.00001; gnomAD 0.00002; TOPMed 0.00002.
gnomAD v4.1: 32 of 1,613,558 alleles (0.002%); highest among the groups gnomAD compares: Middle Eastern, 0.017%; no homozygotes.

Submissions (6):

Mayo Clinic Laboratories, Mayo Clinic
Classification: Uncertain significance. Last evaluated: 2025-12-10. Review status: criteria provided, single submitter. Criteria: ACMG Guidelines, 2015. Collection method: clinical testing. Allele origin: germline. Observed: 1 variant allele.
Comment: BP4

Labcorp Genetics (formerly Invitae), Labcorp
Classification: Uncertain significance for Ataxia-telangiectasia-like disorder. Last evaluated: 2025-11-03. Review status: criteria provided, single submitter. Criteria: Invitae Variant Classification Sherloc (09022015). Collection method: clinical testing. Allele origin: germline.
Comment: This sequence change replaces serine, which is neutral and polar, with leucine, which is neutral and non-polar, at codon 681 of the MRE11 protein (p.Ser681Leu). This variant is present in population databases (rs587782166, gnomAD 0.002%). This missense change has been observed in individual(s) with a personal or family history of breast and ovarian cancer (PMID: 27878467). ClinVar contains an entry for this variant (Variation ID: 141995). An algorithm developed to predict the effect of missense changes on protein structure and function (PolyPhen-2) suggests that this variant is likely to be tolerated. In summary, the available evidence is currently insufficient to determine the role of this variant in disease. Therefore, it has been classified as a Variant of Uncertain Significance.

GeneDx
Classification: Uncertain significance. Last evaluated: 2025-08-15. Review status: criteria provided, single submitter. Criteria: GeneDx Variant Classification Process June 2021. Collection method: clinical testing. Allele origin: germline. Affected: yes.
Comment: Observed in at least one individual with a personal and/or family history of breast cancer; however, no additional information was provided (PMID: 27878467); Not observed at significant frequency in large population cohorts (gnomAD); In silico analysis suggests that this missense variant does not alter protein structure/function; This variant is associated with the following publications: (PMID: 27878467)

Ambry Genetics
Classification: Likely benign for Hereditary cancer-predisposing syndrome. Last evaluated: 2023-11-30. Review status: criteria provided, single submitter. Criteria: Ambry Variant Classification Scheme 2023. Collection method: clinical testing. Allele origin: germline.

Fulgent Genetics
Classification: Uncertain significance for Ataxia-telangiectasia-like disorder 1. Last evaluated: 2021-11-10. Review status: criteria provided, single submitter. Criteria: ACMG Guidelines, 2015. Collection method: clinical testing. Allele origin: unknown.

Counsyl
Classification: Uncertain significance for Ataxia-telangiectasia-like disorder 1. Last evaluated: 2016-08-16. Review status: no assertion criteria provided. Collection method: clinical testing. Allele origin: unknown. Not counted in ClinVar's aggregate classification.

Literature cited by the submitters: PubMed 27878467 (cited by Labcorp Genetics (formerly Invitae), Labcorp and Ambry Genetics); PubMed 33471991 (cited by Ambry Genetics).

NM_005591.4(MRE11):c.2042C>T (p.Ser681Leu)

Gene: MRE11 (MRE11 double strand break repair nuclease; minus strand). Cytogenetic location: 11q21.
Variant type: single nucleotide variant.
Coding change: c.2042C>T on transcript NM_005591.4 (MANE Select); coding-DNA position 2042, C replaced by T.
Protein change: p.Ser681Leu; replaces serine 681 with leucine.
Molecular consequence: missense variant.
Genome position (GRCh38, 1-based): chr11:94,429,939, G>A on the plus strand (C>T on the coding strand, the complement: MRE11 is on the minus strand). VCF-style: chr11-94429939-G-A. GRCh37 (hg19) VCF-style: chr11-94163105-G-A.
Other names: p.Ser681Leu; c.2039C>T, p.Ser680Leu (NM_001330347.2); c.1958C>T, p.Ser653Leu (NM_005590.4); short protein forms S681L, S653L, S680L.
Identifiers: ClinVar variation 141995 (VCV000141995.18), dbSNP rs587782166, ClinGen allele CA167057.